The following is an entry in ClinVar:

ClinVar aggregate classification (germline): Uncertain significance (1 of 4 stars; one submission).

Conditions:
Generalized epilepsy with febrile seizures plus, type 7 (GEFSP7). Also called: GEFS+, TYPE 7. Identifiers: Orphanet 36387, MedGen C2751778, MONDO:0013470, OMIM 613863.
Neuropathy, hereditary sensory and autonomic, type 2A (HSAN2A). Also called: HSAN IIA; WNK1-Related HSAN2 (HSAN2A); MORVAN DISEASE; NEUROPATHY, CONGENITAL SENSORY; NEUROPATHY, HEREDITARY SENSORY RADICULAR, AUTOSOMAL RECESSIVE; NEUROPATHY, HEREDITARY SENSORY, TYPE IIA. Identifiers: Orphanet 970, MedGen C2752089, MONDO:0024309, OMIM 201300.

Submission:

Labcorp Genetics (formerly Invitae), Labcorp
Classification: Uncertain significance for Neuropathy, hereditary sensory and autonomic, type 2A; Generalized epilepsy with febrile seizures plus, type 7. Last evaluated: 2020-11-10. Review status: criteria provided, single submitter. Criteria: Invitae Variant Classification Sherloc (09022015). Collection method: clinical testing. Allele origin: germline.
Comment: In summary, the available evidence is currently insufficient to determine the role of this variant in disease. Therefore, it has been classified as a Variant of Uncertain Significance. Algorithms developed to predict the effect of missense changes on protein structure and function (SIFT, PolyPhen-2, Align-GVGD) all suggest that this variant is likely to be tolerated, but these predictions have not been confirmed by published functional studies and their clinical significance is uncertain. This variant has not been reported in the literature in individuals with SCN9A-related conditions. This variant is not present in population databases (ExAC no frequency). This sequence change replaces leucine with valine at codon 421 of the SCN9A protein (p.Leu421Val). The leucine residue is moderately conserved and there is a small physicochemical difference between leucine and valine.

NM_001365536.1(SCN9A):c.1261T>G (p.Leu421Val)

Genes: SCN9A (sodium voltage-gated channel alpha subunit 9; minus strand), SCN1A-AS1 (SCN1A and SCN9A antisense RNA 1; plus strand). Cytogenetic location: 2q24.3.
Variant type: single nucleotide variant.
Coding change: c.1261T>G on transcript NM_001365536.1 (MANE Select); coding-DNA position 1261, T replaced by G.
Protein change: p.Leu421Val; replaces leucine 421 with valine.
Molecular consequence: missense variant.
Genome position (GRCh38, 1-based): chr2:166,288,490, A>C on the plus strand (T>G on the coding strand, the complement: SCN9A is on the minus strand). VCF-style: chr2-166288490-A-C. GRCh37 (hg19) VCF-style: chr2-167145000-A-C.
Other names: c.1261T>G, p.Leu421Val (NM_002977.4); short protein forms L421V.
Identifiers: ClinVar variation 1482373 (VCV001482373.8), dbSNP rs1398006994, ClinGen allele CA349085758.